The following is an entry in ClinVar:

ClinVar aggregate classification (germline): Uncertain significance (1 of 4 stars; one submission).

Conditions:
Costello syndrome (CSTLO). Also called: HRAS-Related Costello Syndrome; FACIOCUTANEOSKELETAL SYNDROME; FCS SYNDROME. Identifiers: Orphanet 3071, MedGen C0587248, MONDO:0009026, OMIM 218040.

Submission:

Labcorp Genetics (formerly Invitae), Labcorp
Classification: Uncertain significance for Costello syndrome. Last evaluated: 2022-07-14. Review status: criteria provided, single submitter. Criteria: Invitae Variant Classification Sherloc (09022015). Collection method: clinical testing. Allele origin: germline.
Comment: This variant has not been reported in the literature in individuals affected with HRAS-related conditions. This variant is not present in population databases (gnomAD no frequency). This sequence change replaces threonine, which is neutral and polar, with alanine, which is neutral and non-polar, at codon 74 of the HRAS protein (p.Thr74Ala). In summary, the available evidence is currently insufficient to determine the role of this variant in disease. Therefore, it has been classified as a Variant of Uncertain Significance. Advanced modeling of protein sequence and biophysical properties (such as structural, functional, and spatial information, amino acid conservation, physicochemical variation, residue mobility, and thermodynamic stability) performed at Invitae indicates that this missense variant is not expected to disrupt HRAS protein function.

NM_005343.4(HRAS):c.220A>G (p.Thr74Ala)

Genes: HRAS (HRas proto-oncogene, GTPase; minus strand), LRRC56 (leucine rich repeat containing 56; plus strand). Cytogenetic location: 11p15.5.
Variant type: single nucleotide variant.
Coding change: c.220A>G on transcript NM_005343.4 (MANE Select); coding-DNA position 220, A replaced by G.
Protein change: p.Thr74Ala; replaces threonine 74 with alanine.
Molecular consequence: missense variant. On other transcripts: 5 prime UTR variant (1).
Genome position (GRCh38, 1-based): chr11:533,836, T>C on the plus strand (A>G on the coding strand, the complement: HRAS is on the minus strand). VCF-style: chr11-533836-T-C. GRCh37 (hg19) VCF-style: chr11-533836-T-C.
Other names: c.220A>G, p.Thr74Ala (NM_001130442.3, NM_176795.5); c.-100A>G (NM_001318054.2); short protein forms T74A.
Identifiers: ClinVar variation 2416915 (VCV002416915.7), dbSNP rs2133990520, ClinGen allele CA378924589.